The following is an entry in ClinVar:

ClinVar aggregate classification (germline): Uncertain significance (1 of 4 stars; one submission).

Conditions:
Primary pulmonary hypertension. Also called: Idiopathic pulmonary hypertension. Identifiers: MedGen C0152171.

Submission:

Labcorp Genetics (formerly Invitae), Labcorp
Classification: Uncertain significance for Primary pulmonary hypertension. Last evaluated: 2023-01-11. Review status: criteria provided, single submitter. Criteria: Invitae Variant Classification Sherloc (09022015). Collection method: clinical testing. Allele origin: germline.
Comment: This missense change has been observed in individual(s) with pulmonary hypertension (Invitae). This variant is not present in population databases (gnomAD no frequency). This sequence change replaces tyrosine, which is neutral and polar, with cysteine, which is neutral and slightly polar, at codon 407 of the BMPR2 protein (p.Tyr407Cys). Advanced modeling of protein sequence and biophysical properties (such as structural, functional, and spatial information, amino acid conservation, physicochemical variation, residue mobility, and thermodynamic stability) performed at Invitae indicates that this missense variant is expected to disrupt BMPR2 protein function. In summary, the available evidence is currently insufficient to determine the role of this variant in disease. Therefore, it has been classified as a Variant of Uncertain Significance. This variant disrupts the p.Tyr407 amino acid residue in BMPR2. Other variant(s) that disrupt this residue have been observed in individuals with BMPR2-related conditions (PMID: 26387786), which suggests that this may be a clinically significant amino acid residue.

Literature cited by the submitters: PubMed 26387786.

NM_001204.7(BMPR2):c.1220A>G (p.Tyr407Cys)

Gene: BMPR2 (bone morphogenetic protein receptor type 2; plus strand). Cytogenetic location: 2q33.2.
Variant type: single nucleotide variant.
Coding change: c.1220A>G on transcript NM_001204.7 (MANE Select); coding-DNA position 1220, A replaced by G.
Protein change: p.Tyr407Cys; replaces tyrosine 407 with cysteine.
Molecular consequence: missense variant.
Genome position (GRCh38, 1-based): chr2:202,532,676, A>G. VCF-style: chr2-202532676-A-G. GRCh37 (hg19) VCF-style: chr2-203397399-A-G.
Other names: short protein forms Y407C.
Identifiers: ClinVar variation 2827765 (VCV002827765.3), dbSNP rs1085307314, ClinGen allele CA350341887.
Genomic context (GRCh38, chr2:202,532,676, plus strand): 5'-TGCTAGAAGGAGCTGTGAACTTGAGGGACTGTGAATCAGCTTTGAAACAAGTAGACATGT[A>G]TGCTCTTGGACTAATCTATTGGGAGATATTTATGAGATGTACAGACCTCTTCCCAGGTAA-3'
Protein context (NP_001195.2, residues 397-417): CESALKQVDM[Tyr407Cys]ALGLIYWEIF